The following is an entry in ClinVar:

ClinVar aggregate classification (germline): Likely benign. Review status: criteria provided, multiple submitters, no conflicts (2 of 4 stars). 3 submissions from 3 submitters: Likely benign (3). Last evaluated 2026-09-02.

Conditions:
COL4A5-related disorder. Also called: COL4A5-related condition.

Submissions (3):

PreventionGenetics, part of Exact Sciences
Classification: Likely benign for COL4A5-related condition. Last evaluated: 2026-09-02. Review status: criteria provided, single submitter. Criteria: ACMG Guidelines, 2015. Collection method: clinical testing. Allele origin: germline.
Comment: This variant is classified as likely benign based on ACMG/AMP sequence variant interpretation guidelines (Richards et al. 2015 PMID: 25741868, with internal and published modifications).

Labcorp Genetics (formerly Invitae), Labcorp
Classification: Likely benign. Last evaluated: 2025-09-16. Review status: criteria provided, single submitter. Criteria: Invitae Variant Classification Sherloc (09022015). Collection method: clinical testing. Allele origin: germline.

Blueprint Genetics
Classification: Likely benign. Last evaluated: 2024-11-05. Review status: criteria provided, single submitter. Criteria: ACMG Guidelines, 2015. Collection method: clinical testing. Allele origin: germline.

NM_033380.3(COL4A5):c.1517-18TG[6]

Gene: COL4A5 (collagen type IV alpha 5 chain; plus strand). Cytogenetic location: Xq22.3.
Variant type: Microsatellite.
Coding change: c.1517-18TG[6] on transcript NM_033380.3 (MANE Select); six copies in a row of the 2-base unit TG starting at c.1517-18.
Molecular consequence: intron variant.
Genome position: GRCh38 VCF-style: chrX-108596979-TTG-T. GRCh37 (hg19) VCF-style: chrX-107840209-TTG-T.
Other names: c.1517-18TG[6] (NM_000495.5); c.1517-5_1517-4delGT (NM_000495.4).
Identifiers: ClinVar variation 3001920 (VCV003001920.5), dbSNP rs754130339, ClinGen allele CA10488759.